The following is an entry in ClinVar:

ClinVar aggregate classification (germline): Uncertain significance (1 of 4 stars; one submission).

Conditions:
Neutral lipid storage myopathy (NLSDM). Also called: NEUTRAL LIPID STORAGE DISEASE WITHOUT ICHTHYOSIS. Identifiers: Orphanet 98908, MedGen C1853136, MONDO:0012545, OMIM 610717.

Allele frequency attached by ClinVar (database versions not stated): gnomAD exomes below 0.00001.

Submission:

Labcorp Genetics (formerly Invitae), Labcorp
Classification: Uncertain significance for Neutral lipid storage myopathy. Last evaluated: 2021-08-02. Review status: criteria provided, single submitter. Criteria: Invitae Variant Classification Sherloc (09022015). Collection method: clinical testing. Allele origin: germline.
Comment: This sequence change replaces proline with serine at codon 390 of the PNPLA2 protein (p.Pro390Ser). The proline residue is weakly conserved and there is a moderate physicochemical difference between proline and serine. The frequency data for this variant in the population databases is considered unreliable, as metrics indicate insufficient coverage at this position in the ExAC database. This variant has not been reported in the literature in individuals affected with PNPLA2-related conditions. Algorithms developed to predict the effect of missense changes on protein structure and function output the following: SIFT: "Tolerated"; PolyPhen-2: "Benign"; Align-GVGD: "Class C0". The serine amino acid residue is found in multiple mammalian species, which suggests that this missense change does not adversely affect protein function. In summary, the available evidence is currently insufficient to determine the role of this variant in disease. Therefore, it has been classified as a Variant of Uncertain Significance.

NM_020376.4(PNPLA2):c.1168C>T (p.Pro390Ser)

Gene: PNPLA2 (patatin like domain 2, triacylglycerol lipase; plus strand). Cytogenetic location: 11p15.5.
Variant type: single nucleotide variant.
Coding change: c.1168C>T on transcript NM_020376.4 (MANE Select); coding-DNA position 1168, C replaced by T.
Protein change: p.Pro390Ser; replaces proline 390 with serine.
Molecular consequence: missense variant.
Genome position (GRCh38, 1-based): chr11:824,429, C>T. VCF-style: chr11-824429-C-T. GRCh37 (hg19) VCF-style: chr11-824429-C-T.
Other names: short protein forms P390S.
Identifiers: ClinVar variation 1991021 (VCV001991021.1), dbSNP rs2133851072, ClinGen allele CA378984181.